The following is an entry in ClinVar:

ClinVar aggregate classification (germline): Conflicting classifications of pathogenicity. Review status: criteria provided, conflicting classifications (1 of 4 stars). 3 submissions from 3 submitters: Uncertain significance (2); Likely benign (1). Last evaluated 2025-08-13.

Conditions:
CATSPER1-related disorder. Also called: CATSPER1-related condition.
Spermatogenic failure 7. Also called: MALE INFERTILITY, NONSYNDROMIC, AUTOSOMAL RECESSIVE. Identifiers: Orphanet 276234, MedGen C2751811, MONDO:0013070, OMIM 612997.

Allele frequency attached by ClinVar (database versions not stated): ESP Exome Variant Server 0.00015; gnomAD 0.00153; TOPMed 0.00215; ExAC 0.00239; 1000 Genomes Project 0.00439; 1000 Genomes Project 30x 0.00484.
gnomAD v4.1: 1,563 of 1,614,124 alleles (0.097%); highest among the groups gnomAD compares: East Asian, 2.7%; 25 homozygotes.

Submissions (3):

PreventionGenetics, part of Exact Sciences
Classification: Likely benign for CATSPER1-related condition. Last evaluated: 2025-08-13. Review status: criteria provided, single submitter. Criteria: ACMG Guidelines, 2015. Collection method: clinical testing. Allele origin: germline.
Comment: This variant is classified as likely benign based on ACMG/AMP sequence variant interpretation guidelines (Richards et al. 2015 PMID: 25741868, with internal and published modifications).

Illumina Laboratory Services, Illumina
Classification: Uncertain significance for Spermatogenic failure 7. Last evaluated: 2018-01-13. Review status: criteria provided, single submitter. Criteria: ICSL Variant Classification Criteria 13 December 2019. Collection method: clinical testing. Allele origin: germline.

Breakthrough Genomics
Classification: Uncertain significance. Review status: criteria provided, single submitter. Criteria: ACMG Guidelines, 2015. Collection method: not provided. Allele origin: germline. Inheritance: Autosomal recessive inheritance. Affected: yes.

NM_053054.4(CATSPER1):c.1514C>T (p.Ser505Leu)

Gene: CATSPER1 (cation channel sperm associated 1; minus strand). Cytogenetic location: 11q13.1.
Variant type: single nucleotide variant.
Coding change: c.1514C>T on transcript NM_053054.4 (MANE Select); coding-DNA position 1514, C replaced by T.
Protein change: p.Ser505Leu; replaces serine 505 with leucine.
Molecular consequence: missense variant.
Genome position (GRCh38, 1-based): chr11:66,021,795, G>A on the plus strand (C>T on the coding strand, the complement: CATSPER1 is on the minus strand). VCF-style: chr11-66021795-G-A. GRCh37 (hg19) VCF-style: chr11-65789266-G-A.
Other names: short protein forms S505L.
Identifiers: ClinVar variation 305428 (VCV000305428.7), dbSNP rs74484098, ClinGen allele CA6114661.